The following is an entry in ClinVar:

ClinVar aggregate classification (germline): Uncertain significance (1 of 4 stars; one submission).

Conditions:
Hereditary cancer-predisposing syndrome. Also called: Neoplastic Syndromes, Hereditary; Tumor predisposition; Hereditary Cancer Syndrome; Hereditary neoplastic syndrome. Identifiers: Orphanet 140162, MedGen C0027672, MeSH D009386, MONDO:0015356.

Submission:

Ambry Genetics
Classification: Uncertain significance for Hereditary cancer-predisposing syndrome. Last evaluated: 2025-12-30. Review status: criteria provided, single submitter. Criteria: Ambry Variant Classification Scheme 2023. Collection method: clinical testing. Allele origin: germline.
Comment: The p.Y125D variant (also known as c.373T>G), located in coding exon 1 of the MET gene, results from a T to G substitution at nucleotide position 373. The tyrosine at codon 125 is replaced by aspartic acid, an amino acid with highly dissimilar properties. This amino acid position is well conserved in available vertebrate species. In addition, the in silico prediction for this alteration is inconclusive. Based on the available evidence, the clinical significance of this variant remains unclear.

NM_000245.4(MET):c.373T>G (p.Tyr125Asp)

Gene: MET (MET proto-oncogene, receptor tyrosine kinase; plus strand). Cytogenetic location: 7q31.2.
Variant type: single nucleotide variant.
Coding change: c.373T>G on transcript NM_000245.4 (MANE Select); coding-DNA position 373, T replaced by G.
Protein change: p.Tyr125Asp; replaces tyrosine 125 with aspartic acid.
Molecular consequence: missense variant. On other transcripts: intron variant (1).
Genome position (GRCh38, 1-based): chr7:116,699,457, T>G. VCF-style: chr7-116699457-T-G. GRCh37 (hg19) VCF-style: chr7-116339511-T-G.
Other names: c.373T>G, p.Tyr125Asp (NM_001127500.3, NM_001324401.3); c.-91+26880T>G (NM_001324402.2); short protein forms Y125D.
Identifiers: ClinVar variation 4843762 (VCV004843762.1).